The following is an entry in ClinVar:

NM_130837.3(OPA1):c.1936-21_1936-18del

Gene: OPA1 (OPA1 mitochondrial dynamin like GTPase; plus strand). Cytogenetic location: 3q29.
Variant type: Microsatellite.
Coding change: c.1936-21_1936-18del on transcript NM_130837.3 (MANE Select); 21 bases into the intron before coding-DNA position 1936 through 18 bases into the intron before coding-DNA position 1936, 4 bases deleted (ACTT; older notation c.1936-21_1936-18delACTT).
Molecular consequence: intron variant.
Genome position (GRCh38, 1-based): chr3:193,648,774-193,648,777, ACTT deleted; deleting any 4 consecutive bases within chr3:193,648,767-193,648,777 gives the same sequence; the c. name uses the placement nearest the transcript's 3' end. VCF-style (leftmost placement, unchanged base first): chr3-193648766-TCTTA-T. GRCh37 (hg19) VCF-style: chr3-193366555-TCTTA-T.
Other names: c.1771-21_1771-18delACTT (NM_015560.2); c.1399-21_1399-18del (NM_001354664.2); c.1402-21_1402-18del (NM_001354663.2); c.1825-21_1825-18del (NM_130834.3); c.1882-21_1882-18del (NM_130836.3); c.1771-21_1771-18del (NM_015560.3); c.1828-21_1828-18del (NM_130835.3); c.1717-21_1717-18del (NM_130832.3); and 2 more.
Identifiers: ClinVar variation 419153 (VCV000419153.1), dbSNP rs765277368, ClinGen allele CA2759537.
Genomic context (GRCh38, chr3:193,648,766, plus strand): 5'-AAACCTCCCTTTGGTTATCTCTGAAAATCATGACAGGGTAAATTTACTGTCTTATGGAAA[TCTTA>T]CTTACTTGTATTTATATTGCCTAGAATGAACTATTTGAAAAAGCTAAAAATGAAATCCTT-3'

ClinVar aggregate classification (germline): Likely benign (1 of 4 stars; one submission).

Submission:

GeneDx
Classification: Likely benign. Last evaluated: 2016-03-24. Review status: criteria provided, single submitter. Criteria: GeneDx Variant Classification (06012015). Collection method: clinical testing. Allele origin: germline. Affected: yes.
Comment: This variant is considered likely benign or benign based on one or more of the following criteria: it is a conservative change, it occurs at a poorly conserved position in the protein, it is predicted to be benign by multiple in silico algorithms, and/or has population frequency not consistent with disease.